The following is an entry in ClinVar:

NM_020041.3(SLC2A9):c.431A>G (p.Asn144Ser)

Gene: SLC2A9 (solute carrier family 2 member 9; minus strand). Cytogenetic location: 4p16.1.
Variant type: single nucleotide variant.
Coding change: c.431A>G on transcript NM_020041.3 (MANE Select); coding-DNA position 431, A replaced by G.
Protein change: p.Asn144Ser; replaces asparagine 144 with serine.
Molecular consequence: missense variant.
Genome position (GRCh38, 1-based): chr4:9,985,773, T>C on the plus strand (A>G on the coding strand, the complement: SLC2A9 is on the minus strand). VCF-style: chr4-9985773-T-C. GRCh37 (hg19) VCF-style: chr4-9987397-T-C.
Other names: c.431A>G (NM_020041.2); c.344A>G, p.Asn115Ser (NM_001001290.2); short protein forms N115S, N144S.
Identifiers: ClinVar variation 1979732 (VCV001979732.5), dbSNP rs1376758785, ClinGen allele CA356364011.

ClinVar aggregate classification (germline): Uncertain significance. Review status: criteria provided, multiple submitters, no conflicts (2 of 4 stars). 2 submissions from 2 submitters: Uncertain significance (2). Last evaluated 2025-06-18.

Conditions:
Inborn genetic diseases. Identifiers: MedGen C0950123, MeSH D030342.

Allele frequency attached by ClinVar (database versions not stated): gnomAD 0.00001; gnomAD exomes 0.00001.
gnomAD v4.1: 13 of 1,613,948 alleles (0.00081%); highest among the groups gnomAD compares: African/African-American, 0.0013%; no homozygotes.

Submissions (2):

Ambry Genetics
Classification: Uncertain significance for Inborn genetic diseases. Last evaluated: 2025-06-18. Review status: criteria provided, single submitter. Criteria: Ambry Variant Classification Scheme 2023. Collection method: clinical testing. Allele origin: germline.

Labcorp Genetics (formerly Invitae), Labcorp
Classification: Uncertain significance. Last evaluated: 2025-06-12. Review status: criteria provided, single submitter. Criteria: Invitae Variant Classification Sherloc (09022015). Collection method: clinical testing. Allele origin: germline.
Comment: This sequence change replaces asparagine, which is neutral and polar, with serine, which is neutral and polar, at codon 144 of the SLC2A9 protein (p.Asn144Ser). This variant is present in population databases (no rsID available, gnomAD 0.007%). This variant has not been reported in the literature in individuals affected with SLC2A9-related conditions. ClinVar contains an entry for this variant (Variation ID: 1979732). An algorithm developed to predict the effect of missense changes on protein structure and function (PolyPhen-2) suggests that this variant is likely to be disruptive. In summary, the available evidence is currently insufficient to determine the role of this variant in disease. Therefore, it has been classified as a Variant of Uncertain Significance.